The following is an entry in ClinVar:

ClinVar aggregate classification (germline): Uncertain significance. Review status: criteria provided, multiple submitters, no conflicts (2 of 4 stars). 4 submissions from 4 submitters: Uncertain significance (4). Last evaluated 2025-07-31.

Conditions:
Colorectal cancer. Also called: Malignant Colorectal Neoplasm; Colorectal cancer, somatic. Identifiers: MedGen C0346629, MONDO:0005575, OMIM 114500.
Hereditary cancer-predisposing syndrome. Also called: Neoplastic Syndromes, Hereditary; Hereditary neoplastic syndrome; Tumor predisposition; Hereditary Cancer Syndrome. Identifiers: Orphanet 140162, MedGen C0027672, MeSH D009386, MONDO:0015356.
Oligodontia-cancer predisposition syndrome. Also called: TOOTH AGENESIS-COLORECTAL CANCER SYNDROME. Identifiers: Orphanet 300576, MedGen C1837750, MONDO:0012075, OMIM 608615. Disease mechanism: loss of function.

Allele frequency attached by ClinVar (database versions not stated): ExAC 0.00001; gnomAD exomes 0.00001.
gnomAD v4.1: 15 of 1,614,042 alleles (0.00093%); highest among the groups gnomAD compares: South Asian, 0.016%; no homozygotes.

Submissions (4):

Labcorp Genetics (formerly Invitae), Labcorp
Classification: Uncertain significance for Oligodontia-cancer predisposition syndrome. Last evaluated: 2025-07-31. Review status: criteria provided, single submitter. Criteria: Invitae Variant Classification Sherloc (09022015). Collection method: clinical testing. Allele origin: germline.
Comment: This sequence change replaces glycine, which is neutral and non-polar, with alanine, which is neutral and non-polar, at codon 545 of the AXIN2 protein (p.Gly545Ala). This variant is present in population databases (rs781658851, gnomAD 0.006%). This variant has not been reported in the literature in individuals affected with AXIN2-related conditions. ClinVar contains an entry for this variant (Variation ID: 2471381). Invitae Evidence Modeling of protein sequence and biophysical properties (such as structural, functional, and spatial information, amino acid conservation, physicochemical variation, residue mobility, and thermodynamic stability) indicates that this missense variant is not expected to disrupt AXIN2 protein function with a negative predictive value of 80%. In summary, the available evidence is currently insufficient to determine the role of this variant in disease. Therefore, it has been classified as a Variant of Uncertain Significance.

Baylor Genetics
Classification: Uncertain significance for Colorectal cancer. Last evaluated: 2023-09-23. Review status: criteria provided, single submitter. Criteria: ACMG Guidelines, 2015. Collection method: clinical testing. Allele origin: unknown.

GeneDx
Classification: Uncertain significance. Last evaluated: 2023-02-07. Review status: criteria provided, single submitter. Criteria: GeneDx Variant Classification Process June 2021. Collection method: clinical testing. Allele origin: germline. Affected: yes.
Comment: Not observed at significant frequency in large population cohorts (gnomAD); In silico analysis supports that this missense variant does not alter protein structure/function; Has not been previously published as pathogenic or benign to our knowledge

Ambry Genetics
Classification: Uncertain significance for Hereditary cancer-predisposing syndrome. Last evaluated: 2023-01-01. Review status: criteria provided, single submitter. Criteria: Ambry Variant Classification Scheme 2023. Collection method: clinical testing. Allele origin: germline.
Comment: The p.G545A variant (also known as c.1634G>C), located in coding exon 5 of the AXIN2 gene, results from a G to C substitution at nucleotide position 1634. The glycine at codon 545 is replaced by alanine, an amino acid with similar properties. This amino acid position is conserved. In addition, this alteration is predicted to be tolerated by in silico analysis. Since supporting evidence is limited at this time, the clinical significance of this alteration remains unclear.

NM_004655.4(AXIN2):c.1634G>C (p.Gly545Ala)

Gene: AXIN2 (axin 2; minus strand). Cytogenetic location: 17q24.1.
Variant type: single nucleotide variant.
Coding change: c.1634G>C on transcript NM_004655.4 (MANE Select); coding-DNA position 1634, G replaced by C.
Protein change: p.Gly545Ala; replaces glycine 545 with alanine.
Molecular consequence: missense variant.
Genome position (GRCh38, 1-based): chr17:65,537,402, C>G on the plus strand (G>C on the coding strand, the complement: AXIN2 is on the minus strand). VCF-style: chr17-65537402-C-G. GRCh37 (hg19) VCF-style: chr17-63533520-C-G.
Other names: c.1634G>C, p.Gly545Ala (NM_001363813.1); short protein forms G545A.
Identifiers: ClinVar variation 2471381 (VCV002471381.7), dbSNP rs781658851, ClinGen allele CA8718592.